The following is an entry in ClinVar:

ClinVar aggregate classification (germline): Uncertain significance (1 of 4 stars; one submission).

Conditions:
Inborn genetic diseases. Identifiers: MedGen C0950123, MeSH D030342.

Submission:

Ambry Genetics
Classification: Uncertain significance for Inborn genetic diseases. Last evaluated: 2024-12-14. Review status: criteria provided, single submitter. Criteria: Ambry Variant Classification Scheme 2023. Collection method: clinical testing. Allele origin: germline.
Comment: The p.Y60F variant (also known as c.179A>T), located in coding exon 3 of the ETV6 gene, results from an A to T substitution at nucleotide position 179. The tyrosine at codon 60 is replaced by phenylalanine, an amino acid with highly similar properties. This amino acid position is conserved. In addition, this alteration is predicted to be tolerated by in silico analysis. Based on the available evidence, the clinical significance of this variant remains unclear.

NM_001987.5(ETV6):c.179A>T (p.Tyr60Phe)

Genes: ETV6 (ETS variant transcription factor 6; plus strand), LOC126861451 (BRD4-independent group 4 enhancer GRCh37_chr12:11991350-11992549; plus strand). Cytogenetic location: 12p13.2.
Variant type: single nucleotide variant.
Coding change: c.179A>T on transcript NM_001987.5 (MANE Select); coding-DNA position 179, A replaced by T.
Protein change: p.Tyr60Phe; replaces tyrosine 60 with phenylalanine.
Molecular consequence: missense variant. On other transcripts: 5 prime UTR variant (1).
Genome position (GRCh38, 1-based): chr12:11,839,155, A>T. VCF-style: chr12-11839155-A-T. GRCh37 (hg19) VCF-style: chr12-11992089-A-T.
Other names: c.176A>T, p.Tyr59Phe (NM_001413913.1); c.152A>T, p.Tyr51Phe (NM_001413914.1); c.-86A>T (NM_001413915.1); c.179A>T, p.Tyr60Phe (NM_001413916.1, NM_001413917.1, NM_001413918.1); short protein forms Y51F, Y60F, Y59F.
Identifiers: ClinVar variation 3846475 (VCV003846475.1).